The following is an entry in ClinVar:

ClinVar aggregate classification (germline): Uncertain significance (1 of 4 stars; one submission).

Conditions:
Hypertrophic cardiomyopathy. Also called: HYPERTROPHIC MYOCARDIOPATHY. Identifiers: Orphanet 217569, MedGen C0007194, MeSH D002312, MONDO:0005045, HP:0001639.

Allele frequency attached by ClinVar (database versions not stated): gnomAD exomes below 0.00001.
gnomAD v4.1: 4 of 1,608,684 alleles (0.00025%); highest among the groups gnomAD compares: South Asian, 0.0044%; no homozygotes.

Submission:

Labcorp Genetics (formerly Invitae), Labcorp
Classification: Uncertain significance for Hypertrophic cardiomyopathy. Last evaluated: 2025-12-13. Review status: criteria provided, single submitter. Criteria: Invitae Variant Classification Sherloc (09022015). Collection method: clinical testing. Allele origin: germline.
Comment: This sequence change falls in intron 23 of the MYOM1 gene. It does not directly change the encoded amino acid sequence of the MYOM1 protein. It affects a nucleotide within the consensus splice site. This variant is not present in population databases (gnomAD no frequency). This variant has not been reported in the literature in individuals affected with MYOM1-related conditions. ClinVar contains an entry for this variant (Variation ID: 1384179). Variants that disrupt the consensus splice site are a relatively common cause of aberrant splicing (PMID: 17576681, 9536098). Algorithms developed to predict the effect of sequence changes on RNA splicing suggest that this variant may disrupt the consensus splice site. In summary, the available evidence is currently insufficient to determine the role of this variant in disease. Therefore, it has been classified as a Variant of Uncertain Significance.

Literature cited by the submitters: PubMed 17576681; PubMed 9536098.

NM_003803.4(MYOM1):c.3575+5G>A

Gene: MYOM1 (myomesin 1; minus strand). Cytogenetic location: 18p11.31.
Variant type: single nucleotide variant.
Coding change: c.3575+5G>A on transcript NM_003803.4 (MANE Select); 5 bases into the intron after coding-DNA position 3575, G replaced by A.
Molecular consequence: intron variant.
Genome position (GRCh38, 1-based): chr18:3,102,469, C>T on the plus strand (G>A on the coding strand, the complement: MYOM1 is on the minus strand). VCF-style: chr18-3102469-C-T. GRCh37 (hg19) VCF-style: chr18-3102467-C-T.
Other names: c.3287+5G>A (NM_019856.2).
Identifiers: ClinVar variation 1384179 (VCV001384179.6), dbSNP rs1253220145, ClinGen allele CA2280874018.